The following is an entry in ClinVar:

ClinVar aggregate classification (germline): Pathogenic (1 of 4 stars; one submission).

Conditions:
Tuberous sclerosis 2 (TSC2). Identifiers: Orphanet 805, MedGen C1860707, MONDO:0013199, OMIM 613254.

Submission:

Labcorp Genetics (formerly Invitae), Labcorp
Classification: Pathogenic for Tuberous sclerosis 2. Last evaluated: 2022-01-12. Review status: criteria provided, single submitter. Criteria: Invitae Variant Classification Sherloc (09022015). Collection method: clinical testing. Allele origin: germline.
Comment: For these reasons, this variant has been classified as Pathogenic. This variant disrupts the p.Ala614 amino acid residue in TSC2. Other variant(s) that disrupt this residue have been determined to be pathogenic (PMID: 10205261, 11741832, 15483652, 21309039, 32313033). This suggests that this residue is clinically significant, and that variants that disrupt this residue are likely to be disease-causing. Algorithms developed to predict the effect of missense changes on protein structure and function are either unavailable or do not agree on the potential impact of this missense change (SIFT: "Tolerated"; PolyPhen-2: "Possibly Damaging"; Align-GVGD: "Class C0"). ClinVar contains an entry for this variant (Variation ID: 237972). This missense change has been observed in individual(s) with tuberous sclerosis complex (Invitae). In at least one individual the variant was observed to be de novo. This variant is not present in population databases (gnomAD no frequency). This sequence change replaces alanine, which is neutral and non-polar, with proline, which is neutral and non-polar, at codon 614 of the TSC2 protein (p.Ala614Pro).

Literature cited by the submitters: PubMed 10205261; PubMed 11741832; PubMed 15483652; PubMed 21309039; PubMed 32313033.

NM_000548.5(TSC2):c.1840G>C (p.Ala614Pro)

Gene: TSC2 (TSC complex subunit 2; plus strand). Cytogenetic location: 16p13.3.
Variant type: single nucleotide variant.
Coding change: c.1840G>C on transcript NM_000548.5 (MANE Select); coding-DNA position 1840, G replaced by C.
Protein change: p.Ala614Pro; replaces alanine 614 with proline.
Molecular consequence: missense variant.
Genome position (GRCh38, 1-based): chr16:2,071,510, G>C. VCF-style: chr16-2071510-G-C. GRCh37 (hg19) VCF-style: chr16-2121511-G-C.
Other names: c.1840G>C, p.Ala614Pro (NM_001077183.3, NM_001114382.3, NM_001363528.2 and 3 more transcripts); c.1729G>C, p.Ala577Pro (NM_001318827.2); c.1693G>C, p.Ala565Pro (NM_001318829.2); c.1240G>C, p.Ala414Pro (NM_001318831.2); c.1873G>C, p.Ala625Pro (NM_001318832.2); short protein forms A614P, A625P, A577P, A414P, A565P.
Identifiers: ClinVar variation 237972 (VCV000237972.8), dbSNP rs397515199, ClinGen allele CA10583299.